The following is an entry in ClinVar:

NM_032444.4(SLX4):c.1738A>G (p.Ser580Gly)

Gene: SLX4 (SLX4 structure-specific endonuclease subunit; minus strand). Cytogenetic location: 16p13.3.
Variant type: single nucleotide variant.
Coding change: c.1738A>G on transcript NM_032444.4 (MANE Select); coding-DNA position 1738, A replaced by G.
Protein change: p.Ser580Gly; replaces serine 580 with glycine.
Molecular consequence: missense variant.
Genome position (GRCh38, 1-based): chr16:3,596,339, T>C on the plus strand (A>G on the coding strand, the complement: SLX4 is on the minus strand). VCF-style: chr16-3596339-T-C. GRCh37 (hg19) VCF-style: chr16-3646340-T-C.
Other names: short protein forms S580G.
Identifiers: ClinVar variation 2782741 (VCV002782741.3), dbSNP rs2040658880, ClinGen allele CA394527656.
Genomic context (GRCh38, chr16:3,596,339, plus strand): 5'-GGCCCCTGGAGCCACAGCCTGCAGTGGGGGTGCCGTGGAGAGCGGGTGACCTTCGCTCGC[T>C]CAGCTCTGAGTGCTCAGGTGGCACCAGAGGCGGCACGGGCTCCTGCATAAGGCCCTGAAA-3'
Protein context (NP_115820.2, residues 570-590): PLVPPEHSEL[Ser580Gly]ERRSPALHGT

ClinVar aggregate classification (germline): Uncertain significance (1 of 4 stars; one submission).

Conditions:
Fanconi anemia (FA). Also called: Fanconi's anemia. Identifiers: Orphanet 84, MedGen C0015625, MeSH D005199, MONDO:0019391.

Submission:

Labcorp Genetics (formerly Invitae), Labcorp
Classification: Uncertain significance for Fanconi anemia. Last evaluated: 2025-04-14. Review status: criteria provided, single submitter. Criteria: Invitae Variant Classification Sherloc (09022015). Collection method: clinical testing. Allele origin: germline.
Comment: This sequence change replaces serine, which is neutral and polar, with glycine, which is neutral and non-polar, at codon 580 of the SLX4 protein (p.Ser580Gly). This variant is not present in population databases (gnomAD no frequency). This variant has not been reported in the literature in individuals affected with SLX4-related conditions. ClinVar contains an entry for this variant (Variation ID: 2782741). An algorithm developed to predict the effect of missense changes on protein structure and function outputs the following: PolyPhen-2: "Benign". The glycine amino acid residue is found in multiple mammalian species, which suggests that this missense change does not adversely affect protein function. In summary, the available evidence is currently insufficient to determine the role of this variant in disease. Therefore, it has been classified as a Variant of Uncertain Significance.